The following is an entry in ClinVar:

ClinVar aggregate classification (germline): Uncertain significance (1 of 4 stars; one submission).

Submission:

Labcorp Genetics (formerly Invitae), Labcorp
Classification: Uncertain significance. Last evaluated: 2022-10-25. Review status: criteria provided, single submitter. Criteria: Invitae Variant Classification Sherloc (09022015). Collection method: clinical testing. Allele origin: germline.
Comment: This sequence change replaces glutamic acid, which is acidic and polar, with glycine, which is neutral and non-polar, at codon 136 of the DHX38 protein (p.Glu136Gly). This variant is not present in population databases (gnomAD no frequency). This variant has not been reported in the literature in individuals affected with DHX38-related conditions. ClinVar contains an entry for this variant (Variation ID: 1004351). Algorithms developed to predict the effect of missense changes on protein structure and function (SIFT, PolyPhen-2, Align-GVGD) all suggest that this variant is likely to be disruptive. In summary, the available evidence is currently insufficient to determine the role of this variant in disease. Therefore, it has been classified as a Variant of Uncertain Significance.

NM_014003.4(DHX38):c.407A>G (p.Glu136Gly)

Gene: DHX38 (DEAH-box helicase 38; plus strand). Cytogenetic location: 16q22.2.
Variant type: single nucleotide variant.
Coding change: c.407A>G on transcript NM_014003.4 (MANE Select); coding-DNA position 407, A replaced by G.
Protein change: p.Glu136Gly; replaces glutamic acid 136 with glycine.
Molecular consequence: missense variant.
Genome position (GRCh38, 1-based): chr16:72,096,905, A>G. VCF-style: chr16-72096905-A-G. GRCh37 (hg19) VCF-style: chr16-72130804-A-G.
Other names: short protein forms E136G.
Identifiers: ClinVar variation 1004351 (VCV001004351.8), dbSNP rs2042028262, ClinGen allele CA396700887.
Genomic context (GRCh38, chr16:72,096,905, plus strand): 5'-AGACTCCATCCCATCCGGGTGGTGTGAGCGAAGAGTTTTGGGAACGCAGTCGGCAGAGAG[A>G]GCGGGAGCGGCGGGAACATGGTGTCTATGCCTCGTCCAAAGAAGAAAAGGATTGGAAGAA-3'
Protein context (NP_054722.2, residues 126-146): EEFWERSRQR[Glu136Gly]RERREHGVYA